The following is an entry in ClinVar:

ClinVar aggregate classification (germline): Benign/Likely benign. Review status: criteria provided, multiple submitters, no conflicts (2 of 4 stars). 3 submissions from 3 submitters: Benign (1); Likely benign (2). Last evaluated 2026-01-23.

Allele frequency attached by ClinVar (database versions not stated): ESP Exome Variant Server 0.00015; TOPMed 0.00022; 1000 Genomes Project 30x 0.00031; gnomAD 0.00034; 1000 Genomes Project 0.00040; gnomAD exomes 0.00052; ExAC 0.00060.
gnomAD v4.1: 811 of 1,614,074 alleles (0.05%); highest among the groups gnomAD compares: Non-Finnish European, 0.053%; no homozygotes.

Submissions (3):

Labcorp Genetics (formerly Invitae), Labcorp
Classification: Benign. Last evaluated: 2026-01-23. Review status: criteria provided, single submitter. Criteria: Invitae Variant Classification Sherloc (09022015). Collection method: clinical testing. Allele origin: germline.

Blueprint Genetics
Classification: Likely benign. Last evaluated: 2024-10-18. Review status: criteria provided, single submitter. Criteria: ACMG Guidelines, 2015. Collection method: clinical testing. Allele origin: germline.

CeGaT Center for Human Genetics Tuebingen
Classification: Likely benign. Last evaluated: 2024-02-01. Review status: criteria provided, single submitter. Criteria: CeGaT Center For Human Genetics Tuebingen Variant Classification Criteria Version 2. Collection method: clinical testing. Allele origin: germline. Affected: yes. Observed: 1 variant allele.
Comment: LONP1: BP4, BP7

NM_004793.4(LONP1):c.2484C>T (p.His828=)

Gene: LONP1 (lon peptidase 1, mitochondrial; minus strand). Cytogenetic location: 19p13.3.
Variant type: single nucleotide variant.
Coding change: c.2484C>T on transcript NM_004793.4 (MANE Select); coding-DNA position 2484, C replaced by T.
Protein change: p.His828=; no amino-acid change (histidine 828 retained).
Molecular consequence: synonymous variant. On other transcripts: non-coding transcript variant (1).
Genome position (GRCh38, 1-based): chr19:5,693,606, G>A on the plus strand (C>T on the coding strand, the complement: LONP1 is on the minus strand). VCF-style: chr19-5693606-G-A. GRCh37 (hg19) VCF-style: chr19-5693617-G-A.
Other names: c.2292C>T, p.His764= (NM_001276479.2); c.1896C>T, p.His632= (NM_001276480.1).
Identifiers: ClinVar variation 1649390 (VCV001649390.31), dbSNP rs200036075, ClinGen allele CA9114101.